The following is an entry in ClinVar:

NM_177438.3(DICER1):c.573+4A>G

Gene: DICER1 (dicer 1, ribonuclease III; minus strand). Cytogenetic location: 14q32.13.
Variant type: single nucleotide variant.
Coding change: c.573+4A>G on transcript NM_177438.3 (MANE Select); 4 bases into the intron after coding-DNA position 573, A replaced by G.
Molecular consequence: intron variant.
Genome position (GRCh38, 1-based): chr14:95,130,054, T>C on the plus strand (A>G on the coding strand, the complement: DICER1 is on the minus strand). VCF-style: chr14-95130054-T-C. GRCh37 (hg19) VCF-style: chr14-95596391-T-C.
Other names: c.573+4A>G (NM_001291628.2, NM_030621.4, NM_001271282.3 and 1 more transcripts).
Identifiers: ClinVar variation 949076 (VCV000949076.11), dbSNP rs1479149167, ClinGen allele CA615846858.

ClinVar aggregate classification (germline): Conflicting classifications of pathogenicity. Review status: criteria provided, conflicting classifications (1 of 4 stars). 2 submissions from 2 submitters: Uncertain significance (1); Likely benign (1). Last evaluated 2020-04-02.

Conditions:
DICER1-related tumor predisposition. Also called: DICER1 syndrome; DICER1-related pleuropulmonary blastoma cancer predisposition syndrome. Identifiers: Orphanet 284343, MedGen C3839822, MONDO:0100216.
Hereditary cancer-predisposing syndrome. Also called: Hereditary neoplastic syndrome; Tumor predisposition; Neoplastic Syndromes, Hereditary; Hereditary Cancer Syndrome. Identifiers: Orphanet 140162, MedGen C0027672, MeSH D009386, MONDO:0015356.

Allele frequency attached by ClinVar (database versions not stated): gnomAD exomes below 0.00001.
gnomAD v4.1: 1 of 1,613,042 alleles (0.000062%); highest among the groups gnomAD compares: South Asian, 0.0011%; no homozygotes.

Submissions (2):

Ambry Genetics
Classification: Likely benign for Hereditary cancer-predisposing syndrome. Last evaluated: 2020-04-02. Review status: criteria provided, single submitter. Criteria: Ambry Variant Classification Scheme 2023. Collection method: clinical testing. Allele origin: germline.

Labcorp Genetics (formerly Invitae), Labcorp
Classification: Uncertain significance for DICER1-related tumor predisposition. Last evaluated: 2019-04-14. Review status: criteria provided, single submitter. Criteria: Invitae Variant Classification Sherloc (09022015). Collection method: clinical testing. Allele origin: germline.
Comment: In summary, the available evidence is currently insufficient to determine the role of this variant in disease. Therefore, it has been classified as a Variant of Uncertain Significance. Nucleotide substitutions within the consensus splice site are a relatively common cause of aberrant splicing (PMID: 17576681, 9536098). Algorithms developed to predict the effect of sequence changes on RNA splicing suggest that this variant is not likely to affect RNA splicing, but this prediction has not been confirmed by published transcriptional studies. This variant has not been reported in the literature in individuals with DICER1-related conditions. This variant is not present in population databases (ExAC no frequency). This sequence change falls in intron 5 of the DICER1 gene. It does not directly change the encoded amino acid sequence of the DICER1 protein, but it affects a nucleotide within the consensus splice site of the intron.

Literature cited by the submitters: PubMed 17576681 (cited by Labcorp Genetics (formerly Invitae), Labcorp); PubMed 9536098 (cited by Labcorp Genetics (formerly Invitae), Labcorp).